The following is an entry in ClinVar:

ClinVar aggregate classification (germline): Uncertain significance (1 of 4 stars; one submission).

Conditions:
Hepatic methionine adenosyltransferase deficiency. Also called: MAT I/III DEFICIENCY; Deficiency of methionine adenosyltransferase; Isolated Persistent Hypermethioninemia; Methionine adenosyltransferase deficiency. Identifiers: Orphanet 168598, MedGen C0268621, MeSH C564683, MONDO:0009607, OMIM 250850.

Submission:

Labcorp Genetics (formerly Invitae), Labcorp
Classification: Uncertain significance for Hepatic methionine adenosyltransferase deficiency. Last evaluated: 2025-09-13. Review status: criteria provided, single submitter. Criteria: Invitae Variant Classification Sherloc (09022015). Collection method: clinical testing. Allele origin: germline.
Comment: This sequence change replaces glutamine, which is neutral and polar, with lysine, which is basic and polar, at codon 183 of the MAT1A protein (p.Gln183Lys). This variant is not present in population databases (gnomAD no frequency). This variant has not been reported in the literature in individuals affected with MAT1A-related conditions. ClinVar contains an entry for this variant (Variation ID: 2732413). An algorithm developed to predict the effect of missense changes on protein structure and function (PolyPhen-2) suggests that this variant is likely to be disruptive. In summary, the available evidence is currently insufficient to determine the role of this variant in disease. Therefore, it has been classified as a Variant of Uncertain Significance.

NM_000429.3(MAT1A):c.547C>A (p.Gln183Lys)

Gene: MAT1A (methionine adenosyltransferase 1A; minus strand). Cytogenetic location: 10q22.3.
Variant type: single nucleotide variant.
Coding change: c.547C>A on transcript NM_000429.3 (MANE Select); coding-DNA position 547, C replaced by A.
Protein change: p.Gln183Lys; replaces glutamine 183 with lysine.
Molecular consequence: missense variant.
Genome position (GRCh38, 1-based): chr10:80,280,175, G>T on the plus strand (C>A on the coding strand, the complement: MAT1A is on the minus strand). VCF-style: chr10-80280175-G-T. GRCh37 (hg19) VCF-style: chr10-82039931-G-T.
Other names: short protein forms Q183K.
Identifiers: ClinVar variation 2732413 (VCV002732413.3), dbSNP rs2492495862, ClinGen allele CA377362593.